The following is an entry in ClinVar:

NM_000062.3(SERPING1):c.1247T>A (p.Leu416Ter)

Gene: SERPING1 (serpin family G member 1; plus strand). Cytogenetic location: 11q12.1.
Variant type: single nucleotide variant.
Coding change: c.1247T>A on transcript NM_000062.3 (MANE Select); coding-DNA position 1247, T replaced by A.
Protein change: p.Leu416Ter; replaces leucine 416 with a stop codon.
Molecular consequence: nonsense.
Genome position (GRCh38, 1-based): chr11:57,611,934, T>A. VCF-style: chr11-57611934-T-A. GRCh37 (hg19) VCF-style: chr11-57379407-T-A.
Other names: c.1247T>A, p.Leu416Ter (NM_001032295.2); short protein forms L416*.
Identifiers: ClinVar variation 619176 (VCV000619176.2), dbSNP rs1565173405, ClinGen allele CA380703540.

ClinVar aggregate classification (germline): Pathogenic (1 of 4 stars; one submission).

Conditions:
Hereditary angioedema type 1 (HAE1). Identifiers: Orphanet 100050, Orphanet 100051, Orphanet 91378, MedGen C2717906, MONDO:0015053, OMIM 106100.

Submission:

Department of Immunology and Histocompatibility, University of Thessaly
Classification: Pathogenic for Hereditary angioedema type 1. Last evaluated: 2017-11-23. Review status: criteria provided, single submitter. Criteria: ACMG Guidelines, 2015. Collection method: clinical testing. Allele origin: de novo. Affected: yes. Observed: 2 variant alleles.
Comment: The NM_000062.2:c.1247T>A (p.Leu416Ter) mutation is a nonsense mutation that reduces the protein length (C1-INH), by the formation of a termination codon. The predicted truncated protein is missing 85aa. The mutation has been detected to two monozygotic male twins with phenotype of type I HAE and no family history. Other asymptomatic members of the family were tested (father, mother, brother). The mutation has never been detected in controls (Exome Sequencing Project, 1000Genome Project) except once in a Turkish type I angioedema family [Akoglu G et al. (2017)]. At the same location, a synonymous mutation c.1247T>C (p.Leu416Leu), rs747457963 has been reported in databases. Taking into account all the above and according to ACMG standards and guidelines the mutation is considered pathogenic.